The following is an entry in ClinVar:

ClinVar aggregate classification (germline): Conflicting classifications of pathogenicity. Review status: criteria provided, conflicting classifications (1 of 4 stars). 4 submissions from 4 submitters: Uncertain significance (2); Likely benign (2). Last evaluated 2023-04-25.

Conditions:
Intellectual disability, autosomal dominant 11. Identifiers: MedGen C3280285, MONDO:0013658, OMIM 614257.
Complex neurodevelopmental disorder. Identifiers: Orphanet 528084, MedGen C5568766, MONDO:0100038.

Allele frequency attached by ClinVar (database versions not stated): gnomAD 0.00003 and 0.00004; TOPMed 0.00003; ExAC 0.00007.
gnomAD v4.1: 186 of 1,613,254 alleles (0.012%); highest among the groups gnomAD compares: Non-Finnish European, 0.015%; no homozygotes.

Submissions (4):

Pittsburgh Clinical Genomics Laboratory, University of Pittsburgh Medical Center
Classification: Uncertain significance for Intellectual disability, autosomal dominant 11. Last evaluated: 2023-04-25. Review status: criteria provided, single submitter. Criteria: ACMG Guidelines, 2015. Collection method: clinical testing. Allele origin: germline. Inheritance: Autosomal dominant inheritance. Affected: yes.
Comment: This sequence variant is a single nucleotide substitution (C>A) at coding position 1661 of the EPB41L1 gene that results in an alanine to aspartic acid amino acid change at residue 554 of the EPB41L1 encoded Band 4.1-like protein 1. This is a previously reported variant (ClinVar) that has not been observed in an individual with an EPB41L1-related disorder in the published literature, to our knowledge. This variant is present in 16 of 247,570 (0.006%) alleles in the gnomAD population database. Multiple bioinformatic tools predict that this alanine to aspartic acid amino acid change would be damaging, and the alanine residue at this position is well conserved across the vertebrate species examined. Studies examining the functiol consequence of this variant have not been published, to our knowledge. At this time, there is insufficient evidence to determine if this variant is pathogenic or benign. Therefore, we consider this a variant of uncertain significance. ACMG Criteria: PM2, PP3

Ambry Genetics
Classification: Uncertain significance. Last evaluated: 2021-10-29. Review status: criteria provided, single submitter. Criteria: Ambry Variant Classification Scheme 2023. Collection method: clinical testing. Allele origin: germline.

Department of Pathology and Laboratory Medicine, Sinai Health System
Classification: Likely benign for complex neurodevelopmental disorder. Last evaluated: 2021-05-27. Review status: criteria provided, single submitter. Criteria: ACMG Guidelines, 2015. Collection method: research. Allele origin: germline.

Genetic Services Laboratory, University of Chicago
Classification: Likely benign. Last evaluated: 2015-02-19. Review status: criteria provided, single submitter. Criteria: ACMG Guidelines, 2015. Collection method: clinical testing. Allele origin: germline.

NM_012156.2(EPB41L1):c.1661C>A (p.Ala554Asp)

Gene: EPB41L1 (erythrocyte membrane protein band 4.1 like 1; plus strand). Cytogenetic location: 20q11.23.
Variant type: single nucleotide variant.
Coding change: c.1661C>A on transcript NM_012156.2 (MANE Select); coding-DNA position 1661, C replaced by A.
Protein change: p.Ala554Asp; replaces alanine 554 with aspartic acid.
Molecular consequence: missense variant.
Genome position (GRCh38, 1-based): chr20:36,198,034, C>A. VCF-style: chr20-36198034-C-A. GRCh37 (hg19) VCF-style: chr20-34785956-C-A.
Other names: c.1661C>A, p.Ala554Asp (NM_001258329.1); c.1532C>A, p.Ala511Asp (NM_001258330.1); c.1439C>A, p.Ala480Asp (NM_001258331.2, NM_177996.2); short protein forms A480D, A554D, A511D.
Identifiers: ClinVar variation 210946 (VCV000210946.10), dbSNP rs778642222, ClinGen allele CA206753.